The following is an entry in ClinVar:

ClinVar aggregate classification (germline): Benign. Review status: criteria provided, multiple submitters, no conflicts (2 of 4 stars). 10 submissions from 4 submitters: Benign (10). Last evaluated 2021-12-05.

Conditions:
Drash syndrome (DDS). Also called: NEPHROPATHY, WILMS TUMOR, AND GENITAL ANOMALIES; WILMS TUMOR AND PSEUDO- OR TRUE HERMAPHRODITISM. Identifiers: Orphanet 220, MedGen C0950121, MONDO:0008682, OMIM 194080.
Frasier syndrome. Identifiers: Orphanet 347, MedGen C0950122, MeSH D052159, MONDO:0007635, OMIM 136680.
Nephrotic syndrome, type 4 (NPHS4). Also called: Familial mesangial sclerosis; Nephrotic syndrome, early onset with diffuse mesangial sclerosis. Identifiers: Orphanet 656, MedGen C3151568, MONDO:0009733, OMIM 256370.
Meacham syndrome. Also called: Meacham Winn Culler syndrome. Identifiers: Orphanet 3097, MedGen C1837026, MONDO:0012164, OMIM 608978.
Wilms tumor 1 (WT1). Also called: Wilms tumor, somatic. Identifiers: Orphanet 654, MedGen CN033288, MONDO:0008679, OMIM 194070.

Allele frequency attached by ClinVar (database versions not stated): gnomAD exomes 0.09263; 1000 Genomes Project 0.14177; gnomAD 0.14274 and 0.14706; 1000 Genomes Project 30x 0.14538; TOPMed 0.15114.
gnomAD v4.1: 156,808 of 1,602,290 alleles (9.8%); highest among the groups gnomAD compares: African/African-American, 30%; 10,006 homozygotes.

Submissions (12):

Genome-Nilou Lab
Classification: Benign for Drash syndrome. Last evaluated: 2021-12-05. Review status: criteria provided, single submitter. Criteria: ACMG Guidelines, 2015. Collection method: clinical testing. Allele origin: germline. Affected: no.

Genome-Nilou Lab
Classification: Benign for Frasier syndrome. Last evaluated: 2021-12-05. Review status: criteria provided, single submitter. Criteria: ACMG Guidelines, 2015. Collection method: clinical testing. Allele origin: germline. Affected: no.

Genome-Nilou Lab
Classification: Benign for Meacham syndrome. Last evaluated: 2021-12-05. Review status: criteria provided, single submitter. Criteria: ACMG Guidelines, 2015. Collection method: clinical testing. Allele origin: germline. Affected: no.

Genome-Nilou Lab
Classification: Benign for Nephrotic syndrome, type 4. Last evaluated: 2021-12-05. Review status: criteria provided, single submitter. Criteria: ACMG Guidelines, 2015. Collection method: clinical testing. Allele origin: germline. Affected: no.

Genome-Nilou Lab
Classification: Benign for Wilms tumor 1. Last evaluated: 2021-12-05. Review status: criteria provided, single submitter. Criteria: ACMG Guidelines, 2015. Collection method: clinical testing. Allele origin: germline. Affected: no.

GeneDx
Classification: Benign. Last evaluated: 2018-06-16. Review status: criteria provided, single submitter. Criteria: GeneDx Variant Classification Process June 2021. Collection method: clinical testing. Allele origin: germline. Affected: yes.

Illumina Laboratory Services, Illumina
Classification: Benign for Wilms tumor 1. Last evaluated: 2018-01-13. Review status: criteria provided, single submitter. Criteria: ICSL Variant Classification Criteria 13 December 2019. Collection method: clinical testing. Allele origin: germline.
Comment: This variant was observed in the ICSL laboratory as part of a predisposition screen in an ostensibly healthy population. It had not been previously curated by ICSL or reported in the Human Gene Mutation Database (HGMD: prior to June 1st, 2018), and was therefore a candidate for classification through an automated scoring system. Utilizing variant allele frequency, disease prevalence and penetrance estimates, and inheritance mode, an automated score was calculated to assess if this variant is too frequent to cause the disease. Based on the score and internal cut-off values, a variant classified as benign is not then subjected to further curation. The score for this variant resulted in a classification of benign for this disease.

Illumina Laboratory Services, Illumina
Classification: Benign for Meacham syndrome. Last evaluated: 2018-01-13. Review status: criteria provided, single submitter. Criteria: ICSL Variant Classification Criteria 13 December 2019. Collection method: clinical testing. Allele origin: germline.
Comment: the same text as in the submission from Illumina Laboratory Services, Illumina above.

Illumina Laboratory Services, Illumina
Classification: Benign for Nephrotic syndrome, type 4. Last evaluated: 2018-01-13. Review status: criteria provided, single submitter. Criteria: ICSL Variant Classification Criteria 13 December 2019. Collection method: clinical testing. Allele origin: germline.
Comment: the same text as in the submission from Illumina Laboratory Services, Illumina above.

Breakthrough Genomics
Classification: Benign. Review status: criteria provided, single submitter. Criteria: ACMG Guidelines, 2015. Collection method: not provided. Allele origin: germline. Inheritance: Autosomal dominant inheritance. Affected: yes.

Dr. Peter K. Rogan Lab, Western University
No classification provided (evidence only). Condition: Nonpapillary renal cell carcinoma. Review status: no classification provided. Collection method: in vitro. Allele origin: not applicable. Functional consequence: retained intron. Not counted in ClinVar's aggregate classification.

Dr. Peter K. Rogan Lab, Western University
No classification provided (evidence only). Condition: Uterine carcinosarcoma. Review status: no classification provided. Collection method: in vitro. Allele origin: not applicable. Functional consequence: retained intron. Not counted in ClinVar's aggregate classification.

NM_024426.6(WT1):c.*88A>G

Gene: WT1 (WT1 transcription factor; minus strand). Cytogenetic location: 11p13.
Variant type: single nucleotide variant.
Coding change: c.*88A>G on transcript NM_024426.6 (MANE Select); 88 bases downstream of the stop codon, A replaced by G.
Molecular consequence: 3 prime UTR variant. On other transcripts: non-coding transcript variant (1).
Genome position (GRCh38, 1-based): chr11:32,388,970, T>C on the plus strand (A>G on the coding strand, the complement: WT1 is on the minus strand). VCF-style: chr11-32388970-T-C. GRCh37 (hg19) VCF-style: chr11-32410516-T-C.
Other names: NC_000011.9:g.32410516T>C; c.*88A>G (NM_000378.6, NM_001198551.2, NM_001198552.2 and 11 more transcripts).
Identifiers: ClinVar variation 304416 (VCV000304416.11), dbSNP rs5030315, ClinGen allele CA10638326.